The following is an entry in ClinVar:

NM_001199753.2(CPT1C):c.540G>A (p.Gln180=)

Gene: CPT1C (carnitine palmitoyltransferase 1C; plus strand). Cytogenetic location: 19q13.33.
Variant type: single nucleotide variant.
Coding change: c.540G>A on transcript NM_001199753.2 (MANE Select); coding-DNA position 540, G replaced by A.
Protein change: p.Gln180=; no amino-acid change (glutamine 180 retained).
Molecular consequence: synonymous variant. On other transcripts: non-coding transcript variant (1).
Genome position (GRCh38, 1-based): chr19:49,701,403, G>A. VCF-style: chr19-49701403-G-A. GRCh37 (hg19) VCF-style: chr19-50204660-G-A.
Other names: p.Gln180=; c.540G>A, p.Gln180= (NM_001136052.3, NM_001199752.3, NM_001378482.1 and 7 more transcripts); c.540G>A (NM_001136052.2).
Identifiers: ClinVar variation 2175379 (VCV002175379.5), dbSNP rs2514085232, ClinGen allele CA406900294.

ClinVar aggregate classification (germline): Likely benign. Review status: criteria provided, multiple submitters, no conflicts (2 of 4 stars). 2 submissions from 2 submitters: Likely benign (2). Last evaluated 2025-05-12.

Conditions:
Hereditary spastic paraplegia 73. Also called: Spastic paraplegia 73, autosomal dominant. Identifiers: Orphanet 444099, MedGen C5568981, MONDO:0014568, OMIM 616282.

Submissions (2):

Mayo Clinic Laboratories, Mayo Clinic
Classification: Likely benign. Last evaluated: 2025-05-12. Review status: criteria provided, single submitter. Criteria: ACMG Guidelines, 2015. Collection method: clinical testing. Allele origin: germline. Observed: 1 variant allele.
Comment: BP4, BP7

Labcorp Genetics (formerly Invitae), Labcorp
Classification: Likely benign for Hereditary spastic paraplegia 73. Last evaluated: 2022-05-19. Review status: criteria provided, single submitter. Criteria: Invitae Variant Classification Sherloc (09022015). Collection method: clinical testing. Allele origin: germline.